The following is an entry in ClinVar:

NM_000431.4(MVK):c.632-3del

Gene: MVK (mevalonate kinase; plus strand). Cytogenetic location: 12q24.11.
Variant type: Deletion.
Coding change: c.632-3del on transcript NM_000431.4 (MANE Select); 3 bases into the intron before coding-DNA position 632, one base deleted (T; older notation c.632-3delT).
Molecular consequence: intron variant.
Genome position (GRCh38, 1-based): chr12:109,586,751, T deleted; the last of 3 consecutive T bases (chr12:109,586,749-109,586,751); deleting any one gives the same sequence. VCF-style (leftmost placement, unchanged base first): chr12-109586748-CT-C. GRCh37 (hg19) VCF-style: chr12-110024553-CT-C.
Other names: c.476-3del (NM_001301182.2); c.632-3del (NM_001114185.3).
Identifiers: ClinVar variation 935308 (VCV000935308.9), dbSNP rs1885451714, ClinGen allele CA1139662850.

ClinVar aggregate classification (germline): Uncertain significance (1 of 4 stars; one submission).

Conditions:
Porokeratosis 3, disseminated superficial actinic type (POROK3). Also called: POROKERATOSIS, DISSEMINATED SUPERFICIAL ACTINIC, 1; POROKERATOSIS 3, MULTIPLE TYPES; POROKERATOSIS 3, MIBELLI TYPE. Identifiers: MedGen C1867981, MONDO:0008293, OMIM 175900.
Mevalonic aciduria (MEVA). Identifiers: Orphanet 29, MedGen C1959626, MONDO:0012481, OMIM 610377.
Hyperimmunoglobulin D with periodic fever (HIDS). Also called: Hyperimmunoglobulinemia D; Hyperimmunoglobulinemia D with periodic fever; HYPERIMMUNOGLOBULINEMIA D AND PERIODIC FEVER SYNDROME. Identifiers: Orphanet 343, MedGen C0398691, MONDO:0009849, OMIM 260920.

Submission:

Labcorp Genetics (formerly Invitae), Labcorp
Classification: Uncertain significance for Mevalonic aciduria; Hyperimmunoglobulin D with periodic fever; Porokeratosis 3, disseminated superficial actinic type. Last evaluated: 2019-08-22. Review status: criteria provided, single submitter. Criteria: Invitae Variant Classification Sherloc (09022015). Collection method: clinical testing. Allele origin: germline.
Comment: This sequence change falls in intron 6 of the MVK gene. It does not directly change the encoded amino acid sequence of the MVK protein, but it affects a nucleotide within the consensus splice site of the intron. This variant is not present in population databases (ExAC no frequency). This variant has not been reported in the literature in individuals with MVK-related conditions. Nucleotide substitutions within the consensus splice site are a relatively common cause of aberrant splicing (PMID: 17576681, 9536098). Algorithms developed to predict the effect of sequence changes on RNA splicing suggest that this variant may disrupt the consensus splice site, but this prediction has not been confirmed by published transcriptional studies. In summary, the available evidence is currently insufficient to determine the role of this variant in disease. Therefore, it has been classified as a Variant of Uncertain Significance.

Literature cited by the submitters: PubMed 17576681; PubMed 9536098.